The following is an entry in ClinVar:

NM_052988.5(CDK10):c.51T>G (p.Arg17=)

Genes: LINC02166 (long independently transcribed non-coding RNA 2166; minus strand), CDK10 (cyclin dependent kinase 10; plus strand). Cytogenetic location: 16q24.3.
Variant type: single nucleotide variant.
Coding change: c.51T>G on transcript NM_052988.5 (MANE Select); coding-DNA position 51, T replaced by G.
Protein change: p.Arg17=; no amino-acid change (arginine 17 retained).
Molecular consequence: synonymous variant. On other transcripts: non-coding transcript variant (6), splice donor variant (3).
Genome position (GRCh38, 1-based): chr16:89,686,761, T>G. VCF-style: chr16-89686761-T-G. GRCh37 (hg19) VCF-style: chr16-89753169-T-G.
Other names: NC_000016.9:g.89753169T>G; c.-127+2T>G (NM_001160367.2, NM_052987.4, NM_001098533.3).
Identifiers: ClinVar variation 1027754 (VCV001027754.26), dbSNP rs201507040, ClinGen allele CA8247640.
Genomic context (GRCh38, chr16:89,686,761, plus strand): 5'-AGCGCTCGGCATGGCGGAGCCAGATCTGGAGTGCGAGCAGATCCGTCTGAAGTGTATTCG[T>G]AAGGAGGGCTTCTTCACGGTGCCTCCGGAACACAGGGTGCGCGGGGTGCCACCCGGGCAG-3'
Protein context (NP_443714.3, residues 7-27): ECEQIRLKCI[Arg17=]KEGFFTVPPE

ClinVar aggregate classification (germline): Conflicting classifications of pathogenicity. Review status: criteria provided, conflicting classifications (1 of 4 stars). 2 submissions from 2 submitters: Uncertain significance (1); Likely benign (1). Last evaluated 2026-09-01.

Conditions:
Al Kaissi syndrome. Also called: GROWTH RETARDATION, SPINE MALFORMATION, DYSMORPHIC FACIES, AND DEVELOPMENTAL DELAY. Identifiers: MedGen C4540156, MONDO:0044324, OMIM 617694.

Allele frequency attached by ClinVar (database versions not stated): ESP Exome Variant Server 0.00016; 1000 Genomes Project 0.00040; 1000 Genomes Project 30x 0.00047; ExAC 0.00047; gnomAD exomes 0.00060; TOPMed 0.00064.
gnomAD v4.1: 523 of 1,612,354 alleles (0.032%); highest among the groups gnomAD compares: Middle Eastern, 0.91%; 2 homozygotes.

Submissions (5):

CeGaT Center for Human Genetics Tuebingen
Classification: Likely benign. Last evaluated: 2026-09-01. Review status: criteria provided, single submitter. Criteria: CeGaT Center For Human Genetics Tuebingen Variant Classification Criteria Version 2. Collection method: clinical testing. Allele origin: germline. Affected: yes. Observed: 5 variant alleles.
Comment: CDK10: BP4, BP7

Baylor Genetics
Classification: Uncertain significance for Al Kaissi syndrome. Last evaluated: 2020-02-07. Review status: criteria provided, single submitter. Criteria: ACMG Guidelines, 2015. Collection method: clinical testing. Allele origin: unknown. Affected: yes.
Comment: This variant was determined to be of uncertain significance according to ACMG Guidelines, 2015 [PMID:25741868].

Dr. Peter K. Rogan Lab, Western University
No classification provided (evidence only). Condition: Cervical cancer. Review status: no classification provided. Collection method: in vitro. Allele origin: not applicable. Functional consequence: retained intron. Not counted in ClinVar's aggregate classification.

Dr. Peter K. Rogan Lab, Western University
No classification provided (evidence only). Condition: Sarcoma. Review status: no classification provided. Collection method: in vitro. Allele origin: not applicable. Functional consequence: retained intron. Not counted in ClinVar's aggregate classification.

Dr. Peter K. Rogan Lab, Western University
No classification provided (evidence only). Condition: Sarcoma. Review status: no classification provided. Collection method: in vitro. Allele origin: not applicable. Functional consequence: retained intron. Not counted in ClinVar's aggregate classification.